The following is an entry in ClinVar:

ClinVar aggregate classification (germline): Uncertain significance (1 of 4 stars; one submission).

Allele frequency attached by ClinVar (database versions not stated): ExAC 0.00001.
gnomAD v4.1: 2 of 1,613,848 alleles (0.00012%); highest among the groups gnomAD compares: Non-Finnish European, 0.00017%; no homozygotes.

Submission:

Labcorp Genetics (formerly Invitae), Labcorp
Classification: Uncertain significance. Last evaluated: 2022-09-14. Review status: criteria provided, single submitter. Criteria: Invitae Variant Classification Sherloc (09022015). Collection method: clinical testing. Allele origin: germline.
Comment: This sequence change replaces arginine, which is basic and polar, with tryptophan, which is neutral and slightly polar, at codon 1095 of the CACNA1D protein (p.Arg1095Trp). This variant is present in population databases (rs777765883, gnomAD 0.0009%). This variant has not been reported in the literature in individuals affected with CACNA1D-related conditions. Advanced modeling of protein sequence and biophysical properties (such as structural, functional, and spatial information, amino acid conservation, physicochemical variation, residue mobility, and thermodynamic stability) performed at Invitae indicates that this missense variant is expected to disrupt CACNA1D protein function. In summary, the available evidence is currently insufficient to determine the role of this variant in disease. Therefore, it has been classified as a Variant of Uncertain Significance.

NM_001128840.3(CACNA1D):c.3223C>T (p.Arg1075Trp)

Gene: CACNA1D (calcium voltage-gated channel subunit alpha1 D; plus strand). Cytogenetic location: 3p21.1.
Variant type: single nucleotide variant.
Coding change: c.3223C>T on transcript NM_001128840.3 (MANE Select); coding-DNA position 3223, C replaced by T.
Protein change: p.Arg1075Trp; replaces arginine 1075 with tryptophan.
Molecular consequence: missense variant.
Genome position (GRCh38, 1-based): chr3:53,747,357, C>T. VCF-style: chr3-53747357-C-T. GRCh37 (hg19) VCF-style: chr3-53781384-C-T.
Other names: c.3283C>T, p.Arg1095Trp (NM_000720.4); c.3223C>T, p.Arg1075Trp (NM_001128839.3); short protein forms R1075W, R1095W.
Identifiers: ClinVar variation 1715901 (VCV001715901.5), dbSNP rs777765883, ClinGen allele CA2454499.
Genomic context (GRCh38, chr3:53,747,357, plus strand): 5'-TCCAGGGGACTTTTCATCCTCTACAAGGATGGGGATGTTGACAGTCCTGTGGTCCGTGAA[C>T]GGATCTGGCAAAACAGTGATTTCAACTTCGACAACGTCCTCTCTGCTATGATGGCGCTCT-3'
Protein context (NP_001122312.1, residues 1065-1085): GDVDSPVVRE[Arg1075Trp]IWQNSDFNFD